The following is an entry in ClinVar:

NM_001015880.2(PAPSS2):c.919G>A (p.Val307Ile)

Gene: PAPSS2 (3'-phosphoadenosine 5'-phosphosulfate synthase 2; plus strand). Cytogenetic location: 10q23.31.
Variant type: single nucleotide variant.
Coding change: c.919G>A on transcript NM_001015880.2 (MANE Select); coding-DNA position 919, G replaced by A.
Protein change: p.Val307Ile; replaces valine 307 with isoleucine.
Molecular consequence: missense variant.
Genome position (GRCh38, 1-based): chr10:87,727,322, G>A. VCF-style: chr10-87727322-G-A. GRCh37 (hg19) VCF-style: chr10-89487079-G-A.
Other names: c.904G>A, p.Val302Ile (NM_004670.4); c.904G>A (NM_004670.3); short protein forms V302I, V307I.
Identifiers: ClinVar variation 1042093 (VCV001042093.7), dbSNP rs762088120, ClinGen allele CA5589609.

ClinVar aggregate classification (germline): Uncertain significance. Review status: criteria provided, multiple submitters, no conflicts (2 of 4 stars). 2 submissions from 2 submitters: Uncertain significance (2). Last evaluated 2025-04-29.

Conditions:
Spondyloepimetaphyseal dysplasia, PAPSS2 type. Also called: SEMD, PAKISTANI TYPE; BRACHYOLMIA TYPE 4 WITH MILD EPIPHYSEAL AND METAPHYSEAL CHANGES; SPONDYLODYSPLASIA AND PREMATURE PUBARCHE. Identifiers: Orphanet 93282, MedGen C2748516, MONDO:0019666, OMIM 612847.
Inborn genetic diseases. Identifiers: MedGen C0950123, MeSH D030342.

Allele frequency attached by ClinVar (database versions not stated): gnomAD exomes 0.00003 and 0.00002; ExAC 0.00001; gnomAD 0.00002 and 0.00001; TOPMed 0.00003.
gnomAD v4.1: 29 of 1,613,718 alleles (0.0018%); highest among the groups gnomAD compares: Admixed American, 0.012%; no homozygotes.

Submissions (2):

Ambry Genetics
Classification: Uncertain significance for Inborn genetic diseases. Last evaluated: 2025-04-29. Review status: criteria provided, single submitter. Criteria: Ambry Variant Classification Scheme 2023. Collection method: clinical testing. Allele origin: germline.

Labcorp Genetics (formerly Invitae), Labcorp
Classification: Uncertain significance for Spondyloepimetaphyseal dysplasia, PAPSS2 type. Last evaluated: 2021-08-27. Review status: criteria provided, single submitter. Criteria: Invitae Variant Classification Sherloc (09022015). Collection method: clinical testing. Allele origin: germline.
Comment: This sequence change replaces valine with isoleucine at codon 307 of the PAPSS2 protein (p.Val307Ile). The valine residue is moderately conserved and there is a small physicochemical difference between valine and isoleucine. This variant is present in population databases (rs762088120, ExAC 0.001%). This variant has not been reported in the literature in individuals affected with PAPSS2-related conditions. Algorithms developed to predict the effect of missense changes on protein structure and function output the following: SIFT: "Tolerated"; PolyPhen-2: "Benign"; Align-GVGD: "Class C0". The isoleucine amino acid residue is found in multiple mammalian species, which suggests that this missense change does not adversely affect protein function. In summary, the available evidence is currently insufficient to determine the role of this variant in disease. Therefore, it has been classified as a Variant of Uncertain Significance.